The following is an entry in ClinVar:

NM_020247.5(COQ8A):c.947_948del (p.Leu316fs)

Gene: COQ8A (coenzyme Q8A; plus strand). Cytogenetic location: 1q42.13.
Variant type: Microsatellite.
Coding change: c.947_948del on transcript NM_020247.5 (MANE Select); coding-DNA positions 947 to 948, 2 bases deleted (TC; older notation c.947_948delTC).
Protein change: p.Leu316fs; shifts the reading frame from leucine 316.
Molecular consequence: frameshift variant.
Genome position (GRCh38, 1-based): chr1:226,982,901-226,982,902, TC deleted; deleting any 2 consecutive bases within chr1:226,982,898-226,982,902 gives the same sequence; the c. name uses the placement nearest the transcript's 3' end. VCF-style (leftmost placement, unchanged base first): chr1-226982897-ACT-A. GRCh37 (hg19) VCF-style: chr1-227170598-ACT-A.
Other names: short protein forms L316fs.
Identifiers: ClinVar variation 2578598 (VCV002578598.26), dbSNP rs774353934, ClinGen allele CA1425241.
Genomic context (GRCh38, chr1:226,982,897, plus strand): 5'-TCTCCCGGTGGCCCAGGCAGGGCATGCTCAGAGCCCCTCCCTGGCCCTGCCCTTCAGAAA[ACT>A]CTCAACAACGACCTGGGCCCCAACTGGCGGGACAAGTTGGAATACTTCGAGGAGCGGCCC-3'

ClinVar aggregate classification (germline): Pathogenic/Likely pathogenic. Review status: criteria provided, multiple submitters, no conflicts (2 of 4 stars). 2 submissions from 2 submitters: Pathogenic (1); Likely pathogenic (1). Last evaluated 2023-08-01.

Conditions:
Autosomal recessive ataxia due to ubiquinone deficiency. Also called: Coenzyme Q10 deficiency, primary, 4; SPINOCEREBELLAR ATAXIA, AUTOSOMAL RECESSIVE 9. Identifiers: Orphanet 139485, MedGen C2677589, MONDO:0012784, OMIM 612016.

Submissions (2):

CeGaT Center for Human Genetics Tuebingen
Classification: Pathogenic. Last evaluated: 2023-08-01. Review status: criteria provided, single submitter. Criteria: CeGaT Center For Human Genetics Tuebingen Variant Classification Criteria Version 2. Collection method: clinical testing. Allele origin: germline. Affected: yes. Observed: 1 variant allele.
Comment: COQ8A: PVS1, PM2

Juno Genomics, Hangzhou Juno Genomics, Inc
Classification: Likely pathogenic for Autosomal recessive ataxia due to ubiquinone deficiency. Review status: criteria provided, single submitter. Criteria: ACMG Guidelines, 2015. Collection method: clinical testing. Allele origin: germline.
Comment: Absent from controls (or at extremely low frequency if recessive) in Genome Aggregation Database.;Null variant in a gene where loss of function (LOF) is a known mechanism of disease.